The following is an entry in ClinVar:

ClinVar aggregate classification (germline): Uncertain significance (1 of 4 stars; one submission).

Conditions:
Bardet-Biedl syndrome (BBS). Identifiers: Orphanet 110, MedGen C0752166, MONDO:0015229.

gnomAD v4.1: 3 of 1,613,426 alleles (0.00019%); highest among the groups gnomAD compares: Admixed American, 0.0033%; no homozygotes.

Submission:

Labcorp Genetics (formerly Invitae), Labcorp
Classification: Uncertain significance for Bardet-Biedl syndrome. Last evaluated: 2022-09-27. Review status: criteria provided, single submitter. Criteria: Invitae Variant Classification Sherloc (09022015). Collection method: clinical testing. Allele origin: germline.
Comment: In summary, the available evidence is currently insufficient to determine the role of this variant in disease. Therefore, it has been classified as a Variant of Uncertain Significance. Algorithms developed to predict the effect of sequence changes on RNA splicing suggest that this variant may disrupt the consensus splice site. ClinVar contains an entry for this variant (Variation ID: 1414687). This variant has not been reported in the literature in individuals affected with BBS1-related conditions. This variant is present in population databases (rs778903752, gnomAD 0.006%). This sequence change falls in intron 7 of the BBS1 gene. It does not directly change the encoded amino acid sequence of the BBS1 protein.

NM_024649.5(BBS1):c.592-20C>G

Gene: BBS1 (Bardet-Biedl syndrome 1; plus strand). Cytogenetic location: 11q13.2.
Variant type: single nucleotide variant.
Coding change: c.592-20C>G on transcript NM_024649.5 (MANE Select); 20 bases into the intron before coding-DNA position 592, C replaced by G.
Molecular consequence: intron variant.
Genome position (GRCh38, 1-based): chr11:66,519,597, C>G. VCF-style: chr11-66519597-C-G. GRCh37 (hg19) VCF-style: chr11-66287068-C-G.
Identifiers: ClinVar variation 1414687 (VCV001414687.6), dbSNP rs778903752, ClinGen allele CA6123426.